The following is an entry in ClinVar:

NM_017988.6(SCYL2):c.176dup (p.Glu60fs)

Gene: SCYL2 (SCY1 like pseudokinase 2; plus strand). Cytogenetic location: 12q23.1.
Variant type: Duplication.
Coding change: c.176dup on transcript NM_017988.6 (MANE Select); coding-DNA position 176, one base duplicated (A; older notation c.176dupA).
Protein change: p.Glu60fs; shifts the reading frame from glutamic acid 60.
Molecular consequence: frameshift variant. On other transcripts: 5 prime UTR variant (1).
Genome position (GRCh38, 1-based): chr12:100,283,146, A duplicated. VCF-style (leftmost placement, unchanged base first): chr12-100283145-C-CA. GRCh37 (hg19) VCF-style: chr12-100676923-C-CA.
Other names: c.176dup, p.Glu60fs (NM_001317784.2, NM_001330253.2, NM_001330254.2); c.-480dup (NM_001330256.2); short protein forms E60fs.
Identifiers: ClinVar variation 1308644 (VCV001308644.2), dbSNP rs2135832798, ClinGen allele CA2573053582.

ClinVar aggregate classification (germline): Likely pathogenic (1 of 4 stars; one submission).

Conditions:
Arthrogryposis multiplex congenita 4, neurogenic, with agenesis of the corpus callosum. Also called: ZAIN SYNDROME; ARTHROGRYPOSIS MULTIPLEX CONGENITA, NEUROGENIC, WITH AGENESIS OF THE CORPUS CALLOSUM. Identifiers: MedGen C5231494, MONDO:0032903, OMIM 618766.

Submission:

Equipe Genetique des Anomalies du Developpement, Université de Bourgogne
Classification: Likely pathogenic for Arthrogryposis multiplex congenita 4, neurogenic, with agenesis of the corpus callosum. Last evaluated: 2021-05-26. Review status: criteria provided, single submitter. Criteria: ACMG Guidelines, 2015. Collection method: clinical testing. Allele origin: maternal. Inheritance: Autosomal recessive inheritance. Affected: yes.
Comment: This variant was observed in compound heterozygosity with variant c.97del

Literature cited by the submitters: PubMed 31960134.